The following is an entry in ClinVar:

NM_004656.4(BAP1):c.1124A>G (p.Glu375Gly)

Gene: BAP1 (BRCA1 associated deubiquitinase 1; minus strand). Cytogenetic location: 3p21.1.
Variant type: single nucleotide variant.
Coding change: c.1124A>G on transcript NM_004656.4 (MANE Select); coding-DNA position 1124, A replaced by G.
Protein change: p.Glu375Gly; replaces glutamic acid 375 with glycine.
Molecular consequence: missense variant.
Genome position (GRCh38, 1-based): chr3:52,404,579, T>C on the plus strand (A>G on the coding strand, the complement: BAP1 is on the minus strand). VCF-style: chr3-52404579-T-C. GRCh37 (hg19) VCF-style: chr3-52438595-T-C.
Other names: c.1070A>G, p.Glu357Gly (NM_001410772.1); short protein forms E357G, E375G.
Identifiers: ClinVar variation 3987049 (VCV003987049.1).

ClinVar aggregate classification (germline): Uncertain significance (1 of 4 stars; one submission).

Conditions:
Hereditary cancer-predisposing syndrome. Also called: Tumor predisposition; Hereditary neoplastic syndrome; Neoplastic Syndromes, Hereditary; Hereditary Cancer Syndrome. Identifiers: Orphanet 140162, MedGen C0027672, MeSH D009386, MONDO:0015356.

Submission:

Ambry Genetics
Classification: Uncertain significance for Hereditary cancer-predisposing syndrome. Last evaluated: 2025-05-16. Review status: criteria provided, single submitter. Criteria: Ambry Variant Classification Scheme 2023. Collection method: clinical testing. Allele origin: germline.
Comment: The p.E375G variant (also known as c.1124A>G), located in coding exon 12 of the BAP1 gene, results from an A to G substitution at nucleotide position 1124. The glutamic acid at codon 375 is replaced by glycine, an amino acid with similar properties. This amino acid position is conserved. In addition, the in silico prediction for this alteration is inconclusive. Based on the available evidence, the clinical significance of this variant remains unclear.